The following is an entry in ClinVar:

NM_024337.4(IRX1):c.1254T>A (p.Ile418=)

Gene: IRX1 (iroquois homeobox 1; plus strand). Cytogenetic location: 5p15.33.
Variant type: single nucleotide variant.
Coding change: c.1254T>A on transcript NM_024337.4 (MANE Select); coding-DNA position 1254, T replaced by A.
Protein change: p.Ile418=; no amino-acid change (isoleucine 418 retained).
Molecular consequence: synonymous variant.
Genome position (GRCh38, 1-based): chr5:3,600,202, T>A. VCF-style: chr5-3600202-T-A. GRCh37 (hg19) VCF-style: chr5-3600316-T-A.
Identifiers: ClinVar variation 709740 (VCV000709740.7), dbSNP rs150332848, ClinGen allele CA3189038.

ClinVar aggregate classification (germline): Benign. Review status: criteria provided, multiple submitters, no conflicts (2 of 4 stars). 3 submissions from 3 submitters: Benign (2). 1 of the submissions does not count toward it. Last evaluated 2019-12-31.

Conditions:
IRX1-related disorder. Also called: IRX1-related condition.

Allele frequency attached by ClinVar (database versions not stated): gnomAD exomes 0.00054 and 0.00127; ExAC 0.00156; gnomAD 0.00475 and 0.00507; 1000 Genomes Project 0.00479; 1000 Genomes Project 30x 0.00484; ESP Exome Variant Server 0.00531; TOPMed 0.00562.
gnomAD v4.1: 1,544 of 1,611,564 alleles (0.096%); highest among the groups gnomAD compares: African/African-American, 1.8%; 12 homozygotes.

Submissions (3):

Labcorp Genetics (formerly Invitae), Labcorp
Classification: Benign. Last evaluated: 2019-12-31. Review status: criteria provided, single submitter. Criteria: Invitae Variant Classification Sherloc (09022015). Collection method: clinical testing. Allele origin: germline.

Breakthrough Genomics
Classification: Benign. Review status: criteria provided, single submitter. Criteria: ACMG Guidelines, 2015. Collection method: not provided. Allele origin: germline. Inheritance: Unknown mechanism. Affected: yes.

PreventionGenetics, part of Exact Sciences
Classification: Benign for IRX1-related condition. Last evaluated: 2019-10-28. Review status: no assertion criteria provided. Collection method: clinical testing. Allele origin: germline. Not counted in ClinVar's aggregate classification.
Comment: This variant is classified as benign based on ACMG/AMP sequence variant interpretation guidelines (Richards et al. 2015 PMID: 25741868, with internal and published modifications).